The following is an entry in ClinVar:

ClinVar aggregate classification (germline): Uncertain significance. Review status: criteria provided, multiple submitters, no conflicts (2 of 4 stars). 2 submissions from 2 submitters: Uncertain significance (2). Last evaluated 2026-04-14.

Conditions:
Inborn genetic diseases. Identifiers: MedGen C0950123, MeSH D030342.

Submissions (2):

Ambry Genetics
Classification: Uncertain significance for Inborn genetic diseases. Last evaluated: 2026-04-14. Review status: criteria provided, single submitter. Criteria: Ambry Variant Classification Scheme 2023. Collection method: clinical testing. Allele origin: germline.
Comment: The c.238C>T (p.R80C) alteration is located in exon 2 (coding exon 2) of the NFIX gene. This alteration results from a C to T substitution at nucleotide position 238, causing the arginine (R) at amino acid position 80 to be replaced by a cysteine (C). This variant was not reported in population-based cohorts in the Genome Aggregation Database (gnomAD). This amino acid position is highly conserved in available vertebrate species. This missense variant is located in a region that has a low rate of benign missense variation (Lek, 2016; Firth, 2009). This alteration is predicted to be deleterious by in silico analysis. Based on insufficient or conflicting evidence, the clinical significance of this alteration remains unclear.

GeneDx
Classification: Uncertain significance. Last evaluated: 2026-02-24. Review status: criteria provided, single submitter. Criteria: GeneDx Variant Classification Process June 2021. Collection method: clinical testing. Allele origin: germline.
Comment: Not observed at significant frequency in large population cohorts (gnomAD); In silico analysis supports that this missense variant has a deleterious effect on protein structure/function; Has not been previously published as pathogenic or benign to our knowledge; This variant is associated with the following publications: (PMID: 22982744)

NM_001365902.3(NFIX):c.238C>T (p.Arg80Cys)

Gene: NFIX (nuclear factor I X; plus strand). Cytogenetic location: 19p13.13.
Variant type: single nucleotide variant.
Coding change: c.238C>T on transcript NM_001365902.3 (MANE Select); coding-DNA position 238, C replaced by T.
Protein change: p.Arg80Cys; replaces arginine 80 with cysteine.
Molecular consequence: missense variant.
Genome position (GRCh38, 1-based): chr19:13,025,231, C>T. VCF-style: chr19-13025231-C-T. GRCh37 (hg19) VCF-style: chr19-13136045-C-T.
Other names: c.262C>T, p.Arg88Cys (NM_001271043.2); c.214C>T, p.Arg72Cys (NM_001271044.3, NM_001378404.1, NM_001440616.1 and 1 more transcripts); c.238C>T, p.Arg80Cys (NM_001365982.2, NM_002501.4); c.97C>T, p.Arg33Cys (NM_001365983.2); c.235C>T, p.Arg79Cys (NM_001365984.2, NM_001365985.2); c.286C>T, p.Arg96Cys (NM_001378405.1); short protein forms R33C, R72C, R79C, R80C, R88C, R96C.
Identifiers: ClinVar variation 4861039 (VCV004861039.2).